The following is an entry in ClinVar:

NM_001388492.1(HTT):c.4483C>G (p.Pro1495Ala)

Gene: HTT (huntingtin; plus strand). Cytogenetic location: 4p16.3.
Variant type: single nucleotide variant.
Coding change: c.4483C>G on transcript NM_001388492.1 (MANE Select); coding-DNA position 4483, C replaced by G.
Protein change: p.Pro1495Ala; replaces proline 1495 with alanine.
Molecular consequence: missense variant.
Genome position (GRCh38, 1-based): chr4:3,178,317, C>G. VCF-style: chr4-3178317-C-G. GRCh37 (hg19) VCF-style: chr4-3180044-C-G.
Other names: c.4489C>G, p.Pro1497Ala (NM_002111.8); short protein forms P1495A, P1497A.
Identifiers: ClinVar variation 1366678 (VCV001366678.6), dbSNP rs757721942, ClinGen allele CA356068176.

ClinVar aggregate classification (germline): Uncertain significance (1 of 4 stars; one submission).

gnomAD v4.1: 29 of 1,609,130 alleles (0.0018%); highest among the groups gnomAD compares: Non-Finnish European, 0.0025%; no homozygotes.

Submission:

Labcorp Genetics (formerly Invitae), Labcorp
Classification: Uncertain significance. Last evaluated: 2021-02-16. Review status: criteria provided, single submitter. Criteria: Invitae Variant Classification Sherloc (09022015). Collection method: clinical testing. Allele origin: germline.
Comment: This sequence change replaces proline with alanine at codon 1497 of the HTT protein (p.Pro1497Ala). The proline residue is highly conserved and there is a small physicochemical difference between proline and alanine. This variant is not present in population databases (ExAC no frequency). This variant has not been reported in the literature in individuals with HTT-related conditions. Experimental studies and prediction algorithms are not available or were not evaluated, and the functional significance of this variant is currently unknown. In summary, the available evidence is currently insufficient to determine the role of this variant in disease. Therefore, it has been classified as a Variant of Uncertain Significance.